The following is an entry in ClinVar:

ClinVar aggregate classification (germline): Likely benign. Review status: criteria provided, multiple submitters, no conflicts (2 of 4 stars). 4 submissions from 4 submitters: Likely benign (4). Last evaluated 2024-09-23.

Conditions:
Inborn genetic diseases. Identifiers: MedGen C0950123, MeSH D030342.
Mosaic variegated aneuploidy syndrome 1 (MVA1). Also called: Warburton-Anyane-Yeboa syndrome. Identifiers: Orphanet 1052, MedGen C1850343, MONDO:0009759, OMIM 257300.

Allele frequency attached by ClinVar (database versions not stated): gnomAD 0.00001; gnomAD exomes 0.00002; ExAC 0.00005.
gnomAD v4.1: 34 of 1,613,998 alleles (0.0021%); highest among the groups gnomAD compares: South Asian, 0.031%; no homozygotes.

Submissions (4):

Women's Health and Genetics/Laboratory Corporation of America, LabCorp
Classification: Likely benign. Last evaluated: 2024-09-23. Review status: criteria provided, single submitter. Criteria: LabCorp Variant Classification Summary - May 2015. Collection method: clinical testing. Allele origin: germline.

Labcorp Genetics (formerly Invitae), Labcorp
Classification: Likely benign for Mosaic variegated aneuploidy syndrome 1. Last evaluated: 2024-06-24. Review status: criteria provided, single submitter. Criteria: Invitae Variant Classification Sherloc (09022015). Collection method: clinical testing. Allele origin: germline.

CeGaT Center for Human Genetics Tuebingen
Classification: Likely benign. Last evaluated: 2024-03-01. Review status: criteria provided, single submitter. Criteria: CeGaT Center For Human Genetics Tuebingen Variant Classification Criteria Version 2. Collection method: clinical testing. Allele origin: germline. Affected: yes. Observed: 1 variant allele.
Comment: BUB1B: BP4, BP7

Ambry Genetics
Classification: Likely benign for Inborn genetic diseases. Last evaluated: 2020-06-24. Review status: criteria provided, single submitter. Criteria: Ambry Variant Classification Scheme 2023. Collection method: clinical testing. Allele origin: germline.

NM_001211.6(BUB1B):c.423C>T (p.Tyr141=)

Gene: BUB1B (BUB1 mitotic checkpoint serine/threonine kinase B; plus strand). Cytogenetic location: 15q15.1.
Variant type: single nucleotide variant.
Coding change: c.423C>T on transcript NM_001211.6 (MANE Select); coding-DNA position 423, C replaced by T.
Protein change: p.Tyr141=; no amino-acid change (tyrosine 141 retained).
Molecular consequence: synonymous variant.
Genome position (GRCh38, 1-based): chr15:40,176,515, C>T. VCF-style: chr15-40176515-C-T. GRCh37 (hg19) VCF-style: chr15-40468716-C-T.
Identifiers: ClinVar variation 1738974 (VCV001738974.26), dbSNP rs771751625, ClinGen allele CA7475483.
Genomic context (GRCh38, chr15:40,176,515, plus strand): 5'-ACTGTTAACACTTCTGTTACAGGGGCGTTTATGCAATGAGCCTTTGGATATGTACAGTTA[C>T]TTGCACAACCAAGGGATTGGTGTTTCACTTGCTCAGTTCTATATCTCATGGGCAGAAGAA-3'
Protein context (NP_001202.5, residues 131-151): LCNEPLDMYS[Tyr141=]LHNQGIGVSL